The following is an entry in ClinVar:

ClinVar aggregate classification (germline): Uncertain significance (1 of 4 stars; one submission).

Allele frequency attached by ClinVar (database versions not stated): gnomAD exomes below 0.00001; ExAC 0.00001.
gnomAD v4.1: 2 of 1,613,660 alleles (0.00012%); highest among the groups gnomAD compares: Non-Finnish European, 0.00017%; no homozygotes.

Submission:

Labcorp Genetics (formerly Invitae), Labcorp
Classification: Uncertain significance. Last evaluated: 2020-12-22. Review status: criteria provided, single submitter. Criteria: Invitae Variant Classification Sherloc (09022015). Collection method: clinical testing. Allele origin: germline.
Comment: This variant has been observed in individual(s) with clinical features of DYM-related skeletal dysplasias (Invitae). It has also been observed to segregate with disease in related individuals. Algorithms developed to predict the effect of missense changes on protein structure and function (SIFT, PolyPhen-2, Align-GVGD) all suggest that this variant is likely to be disruptive, but these predictions have not been confirmed by published functional studies and their clinical significance is uncertain. In summary, the available evidence is currently insufficient to determine the role of this variant in disease. Therefore, it has been classified as a Variant of Uncertain Significance. This variant is present in population databases (rs772014312, ExAC 0.001%). This sequence change replaces serine with phenylalanine at codon 184 of the DYM protein (p.Ser184Phe). The serine residue is highly conserved and there is a large physicochemical difference between serine and phenylalanine.

NM_001353214.3(DYM):c.551C>T (p.Ser184Phe)

Gene: DYM (dymeclin; minus strand). Cytogenetic location: 18q21.1.
Variant type: single nucleotide variant.
Coding change: c.551C>T on transcript NM_001353214.3 (MANE Select); coding-DNA position 551, C replaced by T.
Protein change: p.Ser184Phe; replaces serine 184 with phenylalanine.
Molecular consequence: missense variant. On other transcripts: intron variant (6).
Genome position (GRCh38, 1-based): chr18:49,333,797, G>A on the plus strand (C>T on the coding strand, the complement: DYM is on the minus strand). VCF-style: chr18-49333797-G-A. GRCh37 (hg19) VCF-style: chr18-46860167-G-A.
Other names: c.551C>T, p.Ser184Phe (NM_001353210.3, NM_001353213.3, NM_001353215.3 and 10 more transcripts); c.548C>T, p.Ser183Phe (NM_001353211.3, NM_001353212.3, NM_001374429.1 and 1 more transcripts); c.323C>T, p.Ser108Phe (NM_001374440.1); c.194-47184C>T (NM_001374443.1); c.194-47181C>T (NM_001374444.1, NM_001374442.1, NM_001374441.1); c.495-1791C>T (NM_001374436.1, NM_001374432.1); short protein forms S184F, S108F, S183F.
Identifiers: ClinVar variation 1483964 (VCV001483964.8), dbSNP rs772014312, ClinGen allele CA8958340.
Genomic context (GRCh38, chr18:49,333,797, plus strand): 5'-CGCATCAAATACTTGTGGCTGATGCTCTGTCGCAAAACTTCTTTGTGGAAGAGTTGGCAG[G>A]AAAGGAAAACAACCATTGTTGATATAGCTTCTACTGATATTTCATATGTAATATCTCTAA-3'
Protein context (NP_001340143.1, residues 174-194): EAISTMVVFL[Ser184Phe]CQLFHKEVLR